The following is an entry in ClinVar:

ClinVar aggregate classification (germline): Likely benign. Review status: criteria provided, single submitter (1 of 4 stars). 2 submissions from 2 submitters: Likely benign (1). 1 of the submissions does not count toward it. Last evaluated 2025-04-14.

Conditions:
MPDZ-related disorder. Also called: MPDZ-related condition.

Allele frequency attached by ClinVar (database versions not stated): gnomAD 0.00001.
gnomAD v4.1: 12 of 1,610,472 alleles (0.00075%); highest among the groups gnomAD compares: Admixed American, 0.018%; no homozygotes.

Submissions (2):

Labcorp Genetics (formerly Invitae), Labcorp
Classification: Likely benign. Last evaluated: 2025-04-14. Review status: criteria provided, single submitter. Criteria: Invitae Variant Classification Sherloc (09022015). Collection method: clinical testing. Allele origin: germline.

PreventionGenetics, part of Exact Sciences
Classification: Likely benign for MPDZ-related condition. Last evaluated: 2021-02-24. Review status: no assertion criteria provided. Collection method: clinical testing. Allele origin: germline. Not counted in ClinVar's aggregate classification.
Comment: This variant is classified as likely benign based on ACMG/AMP sequence variant interpretation guidelines (Richards et al. 2015 PMID: 25741868, with internal and published modifications).

NM_001378778.1(MPDZ):c.2613G>A (p.Leu871=)

Gene: MPDZ (multiple PDZ domain crumbs cell polarity complex component; minus strand). Cytogenetic location: 9p23.
Variant type: single nucleotide variant.
Coding change: c.2613G>A on transcript NM_001378778.1 (MANE Select); coding-DNA position 2613, G replaced by A.
Protein change: p.Leu871=; no amino-acid change (leucine 871 retained).
Molecular consequence: synonymous variant.
Genome position (GRCh38, 1-based): chr9:13,183,454, C>T on the plus strand (G>A on the coding strand, the complement: MPDZ is on the minus strand). VCF-style: chr9-13183454-C-T. GRCh37 (hg19) VCF-style: chr9-13183453-C-T.
Other names: c.2613G>A (NM_003829.4); c.2613G>A, p.Leu871= (NM_001261406.2, NM_001261407.2, NM_001330637.2 and 14 more transcripts).
Identifiers: ClinVar variation 1585174 (VCV001585174.10), dbSNP rs372073159, ClinGen allele CA189277789.
Genomic context (GRCh38, chr9:13,183,454, plus strand): 5'-GAAAAATTGGCTTTTCCTTTGTACCTTAGGAGGAGATGATGGAAGGGAAGAACCATAGTT[C>T]AGGCCATCACCACAAGAACTGCCATGAAGAGATAAAATAGAGGCTTGAGTAGAGTAGATG-3'
Protein context (NP_001365707.1, residues 861-881): SLHGSSCGDG[Leu871=]NYGSSLPSSP